The following is an entry in ClinVar:

NM_001042492.3(NF1):c.1632del (p.Ala545fs)

Gene: NF1 (neurofibromin 1; plus strand). Cytogenetic location: 17q11.2.
Variant type: Deletion.
Coding change: c.1632del on transcript NM_001042492.3 (MANE Select); coding-DNA position 1632, one base deleted (A; older notation c.1632delA).
Protein change: p.Ala545fs; shifts the reading frame from alanine 545.
Molecular consequence: frameshift variant.
Genome position (GRCh38, 1-based): chr17:31,219,109, A deleted; the last of 2 consecutive A bases (chr17:31,219,108-31,219,109); deleting either gives the same sequence. VCF-style (leftmost placement, unchanged base first): chr17-31219107-GA-G. GRCh37 (hg19) VCF-style: chr17-29546125-GA-G.
Other names: c.1632delA, p.Ala545Glnfs (NM_000267.4); c.1632del, p.Ala545fs (NM_001128147.3); short protein forms A545fs.
Identifiers: ClinVar variation 2757993 (VCV002757993.5), dbSNP rs2544840970, ClinGen allele CA2697559698.
Genomic context (GRCh38, chr17:31,219,107, plus strand): 5'-GAATTAATTACAGGGCTCGTCCAACTGGTCCCTCAGTCACACATGCCAGAGATTGCTCAG[GA>G]AGCAATGGAGGTAAGGGGAAAATGAATTCCATGTTCTTGAAGGAAAGATTGTAACTATGT-3'

ClinVar aggregate classification (germline): Pathogenic. Review status: criteria provided, multiple submitters, no conflicts (2 of 4 stars). 2 submissions from 2 submitters: Pathogenic (2). Last evaluated 2023-09-04.

Conditions:
Neurofibromatosis, type 1 (NF1). Also called: VON RECKLINGHAUSEN DISEASE; NEUROFIBROMATOSIS, TYPE I, SOMATIC; Peripheral type neurofibromatosis; Neurofibromatosis, type I. Identifiers: Orphanet 636, MedGen C0027831, MONDO:0018975, OMIM 162200. Disease mechanism: loss of function.

Submissions (2):

Labcorp Genetics (formerly Invitae), Labcorp
Classification: Pathogenic for Neurofibromatosis, type 1. Last evaluated: 2023-09-04. Review status: criteria provided, single submitter. Criteria: Invitae Variant Classification Sherloc (09022015). Collection method: clinical testing. Allele origin: germline.
Comment: This sequence change creates a premature translational stop signal (p.Ala545Glnfs*11) in the NF1 gene. It is expected to result in an absent or disrupted protein product. Loss-of-function variants in NF1 are known to be pathogenic (PMID: 10712197, 23913538). This variant is not present in population databases (gnomAD no frequency). This variant has not been reported in the literature in individuals affected with NF1-related conditions. For these reasons, this variant has been classified as Pathogenic.

Juno Genomics, Hangzhou Juno Genomics, Inc
Classification: Pathogenic for Neurofibromatosis, type 1. Review status: criteria provided, single submitter. Criteria: ACMG Guidelines, 2015. Collection method: clinical testing. Allele origin: germline. Affected: yes.
Comment: Absent from controls (or at extremely low frequency if recessive) in Genome Aggregation Database, Exome Sequencing Project, 1000 Genomes Project, or Exome Aggregation Consortium.;Null variant in a gene where loss of function (LOF) is a known mechanism of disease.;Patient's phenotype or family history is highly specific for a disease with a single genetic etiology.

Literature cited by the submitters: PubMed 10712197 (cited by Labcorp Genetics (formerly Invitae), Labcorp); PubMed 23913538 (cited by Labcorp Genetics (formerly Invitae), Labcorp).